The following is an entry in ClinVar:

NM_002772.3(TMPRSS15):c.2707_2708del (p.Val903fs)

Gene: TMPRSS15 (transmembrane serine protease 15; minus strand). Cytogenetic location: 21q21.1.
Variant type: Deletion.
Coding change: c.2707_2708del on transcript NM_002772.3 (MANE Select); coding-DNA positions 2707 to 2708, 2 bases deleted (GT; older notation c.2707_2708delGT).
Protein change: p.Val903fs; shifts the reading frame from valine 903.
Molecular consequence: frameshift variant.
Genome position (GRCh38, 1-based): chr21:18,279,020-18,279,021, AC deleted on the plus strand (GT on the coding strand, the reverse complement: TMPRSS15 is on the minus strand). VCF-style (leftmost placement, unchanged base first): chr21-18279019-AAC-A. GRCh37 (hg19) VCF-style: chr21-19651336-AAC-A.
Other names: short protein forms V903fs.
Identifiers: ClinVar variation 4167 (VCV000004167.5), dbSNP rs780802518, ClinGen allele CA9983946.

ClinVar aggregate classification (germline): Pathogenic. Review status: criteria provided, single submitter (1 of 4 stars). 2 submissions from 2 submitters: Pathogenic (1). 1 of the submissions does not count toward it. Last evaluated 2025-07-30.

Conditions:
Enterokinase deficiency. Also called: Deficiency of enteropeptidase; ENTEROPEPTIDASE DEFICIENCY; Congenital enteropathy due to enteropeptidase deficiency. Identifiers: Orphanet 168601, MedGen C0268416, MONDO:0009173, OMIM 226200.

Allele frequency attached by ClinVar (database versions not stated): ExAC 0.00002; gnomAD exomes 0.00003 and 0.00004; gnomAD 0.00004 and 0.00005; TOPMed 0.00004.

Submissions (2):

Labcorp Genetics (formerly Invitae), Labcorp
Classification: Pathogenic. Last evaluated: 2025-07-30. Review status: criteria provided, single submitter. Criteria: Invitae Variant Classification Sherloc (09022015). Collection method: clinical testing. Allele origin: germline.
Comment: This sequence change creates a premature translational stop signal (p.Val903Phefs*29) in the TMPRSS15 gene. It is expected to result in an absent or disrupted protein product. Loss-of-function variants in TMPRSS15 are known to be pathogenic (PMID: 11719902). This variant is present in population databases (rs780802518, gnomAD 0.007%). This premature translational stop signal has been observed in individual(s) with TMPRSS15-related conditions (PMID: 11719902). ClinVar contains an entry for this variant (Variation ID: 4167). For these reasons, this variant has been classified as Pathogenic.

OMIM
Classification: Pathogenic for ENTEROKINASE DEFICIENCY. Last evaluated: 2002-01-01. Review status: no assertion criteria provided. Collection method: literature only. Allele origin: germline. Not counted in ClinVar's aggregate classification.

Literature cited by the submitters: PubMed 11719902 (cited by Labcorp Genetics (formerly Invitae), Labcorp and OMIM).